The following is an entry in ClinVar:

NM_177965.4(CFAP418):c.38A>G (p.Glu13Gly)

Genes: CFAP418 (cilia and flagella associated protein 418; minus strand), CFAP418-AS1 (CFAP418 antisense RNA 1; plus strand), LOC130000784 (ATAC-STARR-seq lymphoblastoid active region 27655; plus strand). Cytogenetic location: 8q22.1.
Variant type: single nucleotide variant.
Coding change: c.38A>G on transcript NM_177965.4 (MANE Select); coding-DNA position 38, A replaced by G.
Protein change: p.Glu13Gly; replaces glutamic acid 13 with glycine.
Molecular consequence: missense variant.
Genome position (GRCh38, 1-based): chr8:95,269,152, T>C on the plus strand (A>G on the coding strand, the complement: CFAP418 is on the minus strand). VCF-style: chr8-95269152-T-C. GRCh37 (hg19) VCF-style: chr8-96281380-T-C.
Other names: c.38A>G, p.Glu13Gly (NM_001363260.1); short protein forms E13G.
Identifiers: ClinVar variation 4978724 (VCV004978724.1).

ClinVar aggregate classification (germline): Uncertain significance (1 of 4 stars; one submission).

Conditions:
CFAP418-related disorder. Also called: CFAP418-related condition.

Submission:

PreventionGenetics, part of Exact Sciences
Classification: Uncertain significance for CFAP418-related condition. Last evaluated: 2026-05-19. Review status: criteria provided, single submitter. Criteria: ACMG Guidelines, 2015. Collection method: clinical testing. Allele origin: germline.
Comment: The CFAP418 c.38A>G variant is predicted to result in the amino acid substitution p.Glu13Gly. To our knowledge, this variant has not been reported in the literature or in a large population database (gnomAD), indicating this variant is rare. At this time, the clinical significance of this variant is uncertain due to the absence of conclusive functional and genetic evidence.